The following is an entry in ClinVar:

ClinVar aggregate classification (germline): Pathogenic. Review status: criteria provided, multiple submitters, no conflicts (2 of 4 stars). 2 submissions from 2 submitters: Pathogenic (2). Last evaluated 2025-01-11.

Conditions:
Deficiency of cytochrome-b5 reductase. Also called: METHEMOGLOBINEMIA, CONGENITAL, AUTOSOMAL RECESSIVE; NADH-DEPENDENT METHEMOGLOBIN REDUCTASE DEFICIENCY. Identifiers: Orphanet 621, MedGen C0268193, MONDO:0009606, OMIM 250800.

Allele frequency attached by ClinVar (database versions not stated): TOPMed below 0.00001; gnomAD 0.00001; gnomAD exomes 0.00001; ExAC 0.00002.
gnomAD v4.1: 6 of 1,613,998 alleles (0.00037%); highest among the groups gnomAD compares: South Asian, 0.0055%; no homozygotes.

Submissions (2):

Labcorp Genetics (formerly Invitae), Labcorp
Classification: Pathogenic. Last evaluated: 2025-01-11. Review status: criteria provided, single submitter. Criteria: Invitae Variant Classification Sherloc (09022015). Collection method: clinical testing. Allele origin: germline.
Comment: This sequence change creates a premature translational stop signal (p.Trp236*) in the CYB5R3 gene. While this is not anticipated to result in nonsense mediated decay, it is expected to disrupt the last 66 amino acid(s) of the CYB5R3 protein. This variant is present in population databases (rs763259379, gnomAD 0.01%). This premature translational stop signal has been observed in individuals with autosomal recessive methemoglobinemia (PMID: 21328435, 24266649). It has also been observed to segregate with disease in related individuals. This variant is also known as 705G>A Trp235Term. ClinVar contains an entry for this variant (Variation ID: 1694454). For these reasons, this variant has been classified as Pathogenic.

Suma Genomics
Classification: Pathogenic for Deficiency of cytochrome-b5 reductase. Review status: criteria provided, single submitter. Criteria: ACMG Guidelines, 2015. Collection method: clinical testing. Allele origin: inherited. Inheritance: Autosomal recessive inheritance. Affected: yes.

Literature cited by the submitters: PubMed 21328435 (cited by Labcorp Genetics (formerly Invitae), Labcorp); PubMed 24266649 (cited by Labcorp Genetics (formerly Invitae), Labcorp).

NM_000398.7(CYB5R3):c.708G>A (p.Trp236Ter)

Gene: CYB5R3 (cytochrome b5 reductase 3; minus strand). Cytogenetic location: 22q13.2.
Variant type: single nucleotide variant.
Coding change: c.708G>A on transcript NM_000398.7 (MANE Select); coding-DNA position 708, G replaced by A.
Protein change: p.Trp236Ter; replaces tryptophan 236 with a stop codon.
Molecular consequence: nonsense.
Genome position (GRCh38, 1-based): chr22:42,623,814, C>T on the plus strand (G>A on the coding strand, the complement: CYB5R3 is on the minus strand). VCF-style: chr22-42623814-C-T. GRCh37 (hg19) VCF-style: chr22-43019820-C-T.
Other names: c.639G>A, p.Trp213Ter (NM_001129819.2, NM_001171661.1, NM_007326.4); c.807G>A, p.Trp269Ter (NM_001171660.2); short protein forms W213*, W236*, W269*.
Identifiers: ClinVar variation 1694454 (VCV001694454.3), dbSNP rs763259379, ClinGen allele CA10269609.